The following is an entry in ClinVar:

ClinVar aggregate classification (germline): Pathogenic (1 of 4 stars; one submission).

Conditions:
Early-infantile DEE. Also called: Ohtahara syndrome; Early infantile epileptic encephalopathy; Early infantile epileptic encephalopathy with suppression bursts. Identifiers: Orphanet 1934, MedGen C0393706, MONDO:0800491.

Submission:

Labcorp Genetics (formerly Invitae), Labcorp
Classification: Pathogenic for Early-infantile DEE. Last evaluated: 2024-06-28. Review status: criteria provided, single submitter. Criteria: Invitae Variant Classification Sherloc (09022015). Collection method: clinical testing. Allele origin: germline.
Comment: This sequence change creates a premature translational stop signal (p.Lys1058*) in the SCN1A gene. It is expected to result in an absent or disrupted protein product. Loss-of-function variants in SCN1A are known to be pathogenic (PMID: 17347258, 18930999). This variant is not present in population databases (gnomAD no frequency). This variant has not been reported in the literature in individuals affected with SCN1A-related conditions. For these reasons, this variant has been classified as Pathogenic.

Literature cited by the submitters: PubMed 17347258; PubMed 18930999.

NM_001165963.4(SCN1A):c.3172A>T (p.Lys1058Ter)

Genes: SCN1A (sodium voltage-gated channel alpha subunit 1; minus strand), LOC102724058 (uncharacterized LOC102724058; plus strand). Cytogenetic location: 2q24.3.
Variant type: single nucleotide variant.
Coding change: c.3172A>T on transcript NM_001165963.4 (MANE Select); coding-DNA position 3172, A replaced by T.
Protein change: p.Lys1058Ter; replaces lysine 1058 with a stop codon.
Molecular consequence: nonsense. On other transcripts: non-coding transcript variant (2).
Genome position (GRCh38, 1-based): chr2:166,036,305, T>A on the plus strand (A>T on the coding strand, the complement: SCN1A is on the minus strand). VCF-style: chr2-166036305-T-A. GRCh37 (hg19) VCF-style: chr2-166892815-T-A.
Other names: c.3088A>T, p.Lys1030Ter (NM_001165964.3, NM_001353957.2, NM_001353958.2); c.3172A>T, p.Lys1058Ter (NM_001202435.3, NM_001353948.2); c.3139A>T, p.Lys1047Ter (NM_001353949.2, NM_001353950.2, NM_001353951.2 and 2 more transcripts); c.3136A>T, p.Lys1046Ter (NM_001353954.2, NM_001353955.2); c.3085A>T, p.Lys1029Ter (NM_001353960.2); c.730A>T, p.Lys244Ter (NM_001353961.2); short protein forms K1030*, K1046*, K1058*, K244*, K1029*, K1047*.
Identifiers: ClinVar variation 3658078 (VCV003658078.2).